The following is an entry in ClinVar:

NM_014361.4(CNTN5):c.1664del (p.Asn555fs)

Gene: CNTN5 (contactin 5; plus strand). Cytogenetic location: 11q22.1.
Variant type: Deletion.
Coding change: c.1664del on transcript NM_014361.4 (MANE Select); coding-DNA position 1664, one base deleted (A; older notation c.1664delA).
Protein change: p.Asn555fs; shifts the reading frame from asparagine 555.
Molecular consequence: frameshift variant.
Genome position (GRCh38, 1-based): chr11:100,191,209, A deleted; the last of 4 consecutive A bases (chr11:100,191,206-100,191,209); deleting any one gives the same sequence. VCF-style (leftmost placement, unchanged base first): chr11-100191205-GA-G. GRCh37 (hg19) VCF-style: chr11-100061937-GA-G.
Other names: c.1664del, p.Asn555fs (NM_001243270.2, NM_001243271.2); c.1442del, p.Asn481fs (NM_175566.2); short protein forms N481fs, N555fs.
Identifiers: ClinVar variation 2637206 (VCV002637206.1), dbSNP rs2496701731, ClinGen allele CA2695198959.

ClinVar aggregate classification (germline): Uncertain significance (1 of 4 stars; one submission).

Conditions:
CNTN5-related disorder. Also called: CNTN5-related condition.

Submission:

PreventionGenetics, part of Exact Sciences
Classification: Uncertain significance for CNTN5-related condition. Last evaluated: 2022-09-20. Review status: criteria provided, single submitter. Criteria: ACMG Guidelines, 2015. Collection method: clinical testing. Allele origin: germline.
Comment: The CNTN5 c.1664delA variant is predicted to result in a frameshift and premature protein termination (p.Asn555Thrfs*9). To our knowledge, this variant has not been reported in the literature or in a large population database, indicating this variant is rare. Loss of function is not an established mechanism of CNTN5-related disease. At this time, the clinical significance of this variant is uncertain due to the absence of conclusive functional and genetic evidence.